The following is an entry in ClinVar:

ClinVar aggregate classification (germline): Likely pathogenic. Review status: criteria provided, multiple submitters, no conflicts (2 of 4 stars). 3 submissions from 3 submitters: Likely pathogenic (3). Last evaluated 2026-01-26.

Conditions:
Autosomal dominant Alport syndrome (ATS3A). Also called: Alport syndrome dominant type; Renal failure and sensorineural hearing loss; ALPORT SYNDROME 3A, AUTOSOMAL DOMINANT. Identifiers: Orphanet 63, Orphanet 88918, MedGen C5882663, MONDO:0007086, OMIM 104200.

Submissions (3):

Medical and Scientific Branch, Hong Kong Genome Institute
Classification: Likely pathogenic for Autosomal dominant Alport syndrome. Last evaluated: 2026-01-26. Review status: criteria provided, single submitter. Criteria: ACMG Guidelines, 2015. Collection method: clinical testing. Allele origin: unknown. Affected: yes.

Labcorp Genetics (formerly Invitae), Labcorp
Classification: Likely pathogenic. Last evaluated: 2022-09-14. Review status: criteria provided, single submitter. Criteria: Invitae Variant Classification Sherloc (09022015). Collection method: clinical testing. Allele origin: germline.
Comment: This sequence change affects a donor splice site in intron 7 of the COL4A3 gene. It is expected to disrupt RNA splicing. Variants that disrupt the donor or acceptor splice site typically lead to a loss of protein function (PMID: 16199547), and loss-of-function variants in COL4A3 are known to be pathogenic (PMID: 8956999, 24854265, 26809805, 27281700). This variant is not present in population databases (gnomAD no frequency). This variant has not been reported in the literature in individuals affected with COL4A3-related conditions. ClinVar contains an entry for this variant (Variation ID: 1324119). Algorithms developed to predict the effect of sequence changes on RNA splicing suggest that this variant may disrupt the consensus splice site. In summary, the currently available evidence indicates that the variant is pathogenic, but additional data are needed to prove that conclusively. Therefore, this variant has been classified as Likely Pathogenic.

Revvity Omics, Revvity
Classification: Likely pathogenic. Last evaluated: 2021-07-28. Review status: criteria provided, single submitter. Criteria: ACMG Guidelines, 2015. Collection method: clinical testing. Allele origin: germline.

Literature cited by the submitters: PubMed 16199547 (cited by Labcorp Genetics (formerly Invitae), Labcorp); PubMed 8956999 (cited by Labcorp Genetics (formerly Invitae), Labcorp); PubMed 24854265 (cited by Labcorp Genetics (formerly Invitae), Labcorp); PubMed 26809805 (cited by Labcorp Genetics (formerly Invitae), Labcorp); PubMed 27281700 (cited by Labcorp Genetics (formerly Invitae), Labcorp).

NM_000091.5(COL4A3):c.441+2T>C

Genes: MFF-DT (MFF divergent transcript; minus strand), COL4A3 (collagen type IV alpha 3 chain; plus strand). Cytogenetic location: 2q36.3.
Variant type: single nucleotide variant.
Coding change: c.441+2T>C on transcript NM_000091.5 (MANE Select); the canonical splice donor site of the intron after coding-DNA position 441, T replaced by C.
Molecular consequence: splice donor variant.
Genome position (GRCh38, 1-based): chr2:227,246,740, T>C. VCF-style: chr2-227246740-T-C. GRCh37 (hg19) VCF-style: chr2-228111456-T-C.
Identifiers: ClinVar variation 1324119 (VCV001324119.9), dbSNP rs2125911950, ClinGen allele CA350861864.